The following is an entry in ClinVar:

NM_020686.6(ABAT):c.*2629G>A

Gene: ABAT (4-aminobutyrate aminotransferase; plus strand). Cytogenetic location: 16p13.2.
Variant type: single nucleotide variant.
Coding change: c.*2629G>A on transcript NM_020686.6 (MANE Select); 2629 bases downstream of the stop codon, G replaced by A.
Molecular consequence: 3 prime UTR variant.
Genome position (GRCh38, 1-based): chr16:8,784,059, G>A. VCF-style: chr16-8784059-G-A. GRCh37 (hg19) VCF-style: chr16-8877916-G-A.
Other names: c.*2629G>A (NM_000663.5, NM_001127448.2, NM_001386600.1 and 14 more transcripts); c.*2643G>A (NM_001386609.1, NM_001386616.1).
Identifiers: ClinVar variation 885601 (VCV000885601.4), dbSNP rs186857840, ClinGen allele CA277477127.
Genomic context (GRCh38, chr16:8,784,059, plus strand): 5'-AGAAGAATTTCAAGGAAAAGAATTCTCAGCAGAGCTCAAGATTGTAGAAACTCAGCAGAA[G>A]CTGGTAAAAACATGGGGAGCCCGGAGGACAGGCTGCTGTCCAGGGCAGAGGCCATGAAGA-3'

ClinVar aggregate classification (germline): Likely benign (1 of 4 stars; one submission).

Conditions:
Gamma-aminobutyric acid transaminase deficiency (GABATD). Also called: GABA transaminase deficiency; Gamma aminobutyrate transaminase deficiency; 4 alpha aminobutyrate transaminase deficiency; GABA aminotransaminase deficiency. Identifiers: Orphanet 2066, MedGen C0342708, MONDO:0013166, OMIM 613163.

Allele frequency attached by ClinVar (database versions not stated): 1000 Genomes Project 30x 0.00047; 1000 Genomes Project 0.00060; gnomAD 0.00060 and 0.00065; TOPMed 0.00065.
gnomAD v4.1: 89 of 152,534 alleles (0.058%); highest among the groups gnomAD compares: African/African-American, 0.21%; 1 homozygote.

Submission:

Illumina Laboratory Services, Illumina
Classification: Likely benign for Gamma-aminobutyric acid transaminase deficiency. Last evaluated: 2018-01-13. Review status: criteria provided, single submitter. Criteria: ICSL Variant Classification Criteria 13 December 2019. Collection method: clinical testing. Allele origin: germline.
Comment: This variant was observed in the ICSL laboratory as part of a predisposition screen in an ostensibly healthy population. It had not been previously curated by ICSL or reported in the Human Gene Mutation Database (HGMD: prior to June 1st, 2018), and was therefore a candidate for classification through an automated scoring system. Utilizing variant allele frequency, disease prevalence and penetrance estimates, and inheritance mode, an automated score was calculated to assess if this variant is too frequent to cause the disease. Based on the score and internal cut-off values, a variant classified as likely benign is not then subjected to further curation. The score for this variant resulted in a classification of likely benign for this disease.